The following is an entry in ClinVar:

NM_000807.4(GABRA2):c.1331A>T (p.Glu444Val)

Gene: GABRA2 (gamma-aminobutyric acid type A receptor subunit alpha2; minus strand). Cytogenetic location: 4p12.
Variant type: single nucleotide variant.
Coding change: c.1331A>T on transcript NM_000807.4 (MANE Select); coding-DNA position 1331, A replaced by T.
Protein change: p.Glu444Val; replaces glutamic acid 444 with valine.
Molecular consequence: missense variant.
Genome position (GRCh38, 1-based): chr4:46,250,333, T>A on the plus strand (A>T on the coding strand, the complement: GABRA2 is on the minus strand). VCF-style: chr4-46250333-T-A. GRCh37 (hg19) VCF-style: chr4-46252350-T-A.
Other names: c.1331A>T, p.Glu444Val (NM_001114175.3, NM_001377146.1, NM_001377147.1 and 4 more transcripts); c.1346A>T, p.Glu449Val (NM_001286827.3); c.1511A>T, p.Glu504Val (NM_001330690.2, NM_001377144.1, NM_001377145.1); c.1166A>T, p.Glu389Val (NM_001377152.1, NM_001377153.1, NM_001377154.1); short protein forms E389V, E444V, E449V, E504V.
Identifiers: ClinVar variation 1717125 (VCV001717125.5), dbSNP rs2475197206, ClinGen allele CA356802141.

ClinVar aggregate classification (germline): Uncertain significance (1 of 4 stars; one submission).

Submission:

Labcorp Genetics (formerly Invitae), Labcorp
Classification: Uncertain significance. Last evaluated: 2022-08-20. Review status: criteria provided, single submitter. Criteria: Invitae Variant Classification Sherloc (09022015). Collection method: clinical testing. Allele origin: germline.
Comment: This sequence change replaces glutamic acid, which is acidic and polar, with valine, which is neutral and non-polar, at codon 504 of the GABRA2 protein (p.Glu504Val). In summary, the available evidence is currently insufficient to determine the role of this variant in disease. Therefore, it has been classified as a Variant of Uncertain Significance. Experimental studies and prediction algorithms are not available or were not evaluated, and the functional significance of this variant is currently unknown. This variant has not been reported in the literature in individuals affected with GABRA2-related conditions. This variant is not present in population databases (gnomAD no frequency).